The following is an entry in ClinVar:

ClinVar aggregate classification (germline): Likely pathogenic. Review status: criteria provided, multiple submitters, no conflicts (2 of 4 stars). 3 submissions from 3 submitters: Likely pathogenic (2). 1 of the submissions does not count toward it. Last evaluated 2024-12-05.

Conditions:
Hereditary factor XI deficiency disease. Also called: PLASMA THROMBOPLASTIN ANTECEDENT DEFICIENCY; PTA DEFICIENCY; ROSENTHAL SYNDROME; Congenital factor XI deficiency. Identifiers: Orphanet 329, MedGen C0015523, MeSH D005173, MONDO:0012897, OMIM 612416.
Plasma factor XI deficiency.

Submissions (3):

Natera, Inc.
Classification: Likely pathogenic for Plasma factor XI deficiency. Last evaluated: 2024-12-05. Review status: criteria provided, single submitter. Criteria: Natera Variant Classification Schema (03/2026). Collection method: clinical testing. Allele origin: germline.
Comment: The c.1481-1G>T variant in F11 is a canonical splice acceptor site variant predicted to affect pre-mRNA splicing, which may result in an abnormal transcript and altered protein product. This variant is expected to result in nonsense mediated decay, truncation, or a dysfunctional protein product. This variant is rare in the general population with a frequency below the threshold expected for the associated phenotype(s). Given the available evidence, this variant is classified as Likely Pathogenic.

Labcorp Genetics (formerly Invitae), Labcorp
Classification: Likely pathogenic. Last evaluated: 2023-08-22. Review status: criteria provided, single submitter. Criteria: Invitae Variant Classification Sherloc (09022015). Collection method: clinical testing. Allele origin: germline.
Comment: This sequence change affects an acceptor splice site in intron 12 of the F11 gene. It is expected to disrupt RNA splicing. Variants that disrupt the donor or acceptor splice site typically lead to a loss of protein function (PMID: 16199547), and loss-of-function variants in F11 are known to be pathogenic (PMID: 23929304). This variant is not present in population databases (gnomAD no frequency). This variant has not been reported in the literature in individuals affected with F11-related conditions. ClinVar contains an entry for this variant (Variation ID: 370461). Algorithms developed to predict the effect of sequence changes on RNA splicing suggest that this variant may disrupt the consensus splice site. In summary, the currently available evidence indicates that the variant is pathogenic, but additional data are needed to prove that conclusively. Therefore, this variant has been classified as Likely Pathogenic.

Counsyl
Classification: Likely pathogenic for Hereditary factor XI deficiency disease. Last evaluated: 2016-02-12. Review status: no assertion criteria provided. Collection method: clinical testing. Allele origin: unknown. Not counted in ClinVar's aggregate classification.

Literature cited by the submitters: PubMed 16199547 (cited by Labcorp Genetics (formerly Invitae), Labcorp); PubMed 23929304 (cited by Labcorp Genetics (formerly Invitae), Labcorp).

NM_000128.4(F11):c.1481-1G>T

Genes: F11 (coagulation factor XI; plus strand), F11-AS1 (F11 antisense RNA 1; minus strand). Cytogenetic location: 4q35.2.
Variant type: single nucleotide variant.
Coding change: c.1481-1G>T on transcript NM_000128.4 (MANE Select); the canonical splice acceptor site of the intron before coding-DNA position 1481, G replaced by T.
Molecular consequence: splice acceptor variant.
Genome position (GRCh38, 1-based): chr4:186,286,414, G>T. VCF-style: chr4-186286414-G-T. GRCh37 (hg19) VCF-style: chr4-187207568-G-T.
Identifiers: ClinVar variation 370461 (VCV000370461.12), dbSNP rs1057516506, ClinGen allele CA16040949.